The following is an entry in ClinVar:

ClinVar aggregate classification (germline): Likely benign (1 of 4 stars; one submission).

Conditions:
PLXNA2-related disorder. Also called: PLXNA2-related condition.

gnomAD v4.1: 6 of 1,614,126 alleles (0.00037%); highest among the groups gnomAD compares: Non-Finnish European, 0.00051%; no homozygotes.

Submission:

PreventionGenetics, part of Exact Sciences
Classification: Likely benign for PLXNA2-related condition. Last evaluated: 2026-06-11. Review status: criteria provided, single submitter. Criteria: ACMG Guidelines, 2015. Collection method: clinical testing. Allele origin: germline.
Comment: This variant is classified as likely benign based on ACMG/AMP sequence variant interpretation guidelines (Richards et al. 2015 PMID: 25741868, with internal and published modifications).

NM_025179.4(PLXNA2):c.4689C>A (p.Val1563=)

Gene: PLXNA2 (plexin A2; minus strand). Cytogenetic location: 1q32.2.
Variant type: single nucleotide variant.
Coding change: c.4689C>A on transcript NM_025179.4 (MANE Select); coding-DNA position 4689, C replaced by A.
Protein change: p.Val1563=; no amino-acid change (valine 1563 retained).
Molecular consequence: synonymous variant.
Genome position (GRCh38, 1-based): chr1:208,038,446, G>T on the plus strand (C>A on the coding strand, the complement: PLXNA2 is on the minus strand). VCF-style: chr1-208038446-G-T. GRCh37 (hg19) VCF-style: chr1-208211791-G-T.
Identifiers: ClinVar variation 5001752 (VCV005001752.1).